The following is an entry in ClinVar:

ClinVar aggregate classification (germline): Pathogenic/Likely pathogenic. Review status: criteria provided, multiple submitters, no conflicts (2 of 4 stars). 3 submissions from 3 submitters: Pathogenic (2); Likely pathogenic (1). Last evaluated 2025-09-10.

Conditions:
PGM1-congenital disorder of glycosylation. Also called: PGM1 DEFICIENCY; GLYCOGEN STORAGE DISEASE XIV; GSD XIV; Congenital disorder of glycosylation type 1t; PHOSPHOGLUCOMUTASE 1 DEFICIENCY; CDG It. Identifiers: Orphanet 319646, MedGen C2752015, MONDO:0013968, OMIM 614921.
Congenital disorder of glycosylation (CDG). Also called: Carbohydrate-deficient glycoprotein syndrome; Congenital disorders of glycosylation. Identifiers: Orphanet 137, MedGen C0282577, MONDO:0015286.

Allele frequency attached by ClinVar (database versions not stated): gnomAD exomes 0.00001.
gnomAD v4.1: 10 of 1,613,988 alleles (0.00062%); highest among the groups gnomAD compares: African/African-American, 0.0013%; no homozygotes.

Submissions (3):

Genomic Medicine Center of Excellence, King Faisal Specialist Hospital and Research Centre
Classification: Pathogenic for PGM1-congenital disorder of glycosylation. Last evaluated: 2025-09-10. Review status: criteria provided, single submitter. Criteria: ACMG Guidelines, 2015. Collection method: clinical testing. Allele origin: germline.

Dubai Health Genomic Medicine Center, Dubai Health
Classification: Likely pathogenic for Congenital disorder of glycosylation. Last evaluated: 2024-10-04. Review status: criteria provided, single submitter. Criteria: ACMG Guidelines, 2015. Collection method: research. Allele origin: germline. Affected: yes.
Comment: PM2,PP3,PM3 (moderate),PP1

Labcorp Genetics (formerly Invitae), Labcorp
Classification: Pathogenic for PGM1-congenital disorder of glycosylation. Last evaluated: 2022-10-17. Review status: criteria provided, single submitter. Criteria: Invitae Variant Classification Sherloc (09022015). Collection method: clinical testing. Allele origin: germline.
Comment: For these reasons, this variant has been classified as Pathogenic. Advanced modeling of protein sequence and biophysical properties (such as structural, functional, and spatial information, amino acid conservation, physicochemical variation, residue mobility, and thermodynamic stability) performed at Invitae indicates that this missense variant is expected to disrupt PGM1 protein function. ClinVar contains an entry for this variant (Variation ID: 1359807). This missense change has been observed in individual(s) with clinical features of PGM1-congenital disorder of glycosylation (PMID: 33342467). It has also been observed to segregate with disease in related individuals. This variant is present in population databases (no rsID available, gnomAD 0.004%). This sequence change replaces arginine, which is basic and polar, with glutamine, which is neutral and polar, at codon 515 of the PGM1 protein (p.Arg515Gln).

Literature cited by the submitters: PubMed 33342467 (cited by Labcorp Genetics (formerly Invitae), Labcorp).

NM_002633.3(PGM1):c.1544G>A (p.Arg515Gln)

Gene: PGM1 (phosphoglucomutase 1; plus strand). Cytogenetic location: 1p31.3.
Variant type: single nucleotide variant.
Coding change: c.1544G>A on transcript NM_002633.3 (MANE Select); coding-DNA position 1544, G replaced by A.
Protein change: p.Arg515Gln; replaces arginine 515 with glutamine.
Molecular consequence: missense variant.
Genome position (GRCh38, 1-based): chr1:63,654,411, G>A. VCF-style: chr1-63654411-G-A. GRCh37 (hg19) VCF-style: chr1-64120082-G-A.
Other names: c.1598G>A, p.Arg533Gln (NM_001172818.1); c.953G>A, p.Arg318Gln (NM_001172819.2); short protein forms R533Q, R318Q, R515Q.
Identifiers: ClinVar variation 1359807 (VCV001359807.10), dbSNP rs1453920894, ClinGen allele CA340639614.
Genomic context (GRCh38, chr1:63,654,411, plus strand): 5'-CAGATGGTTCTCGAATCGTCTTCCGACTGAGCGGCACTGGGAGTGCCGGGGCCACCATTC[G>A]GCTGTACATCGATAGCTATGAGAAGGACGTTGCCAAGATTAACCAGGACCCCCAGGTAAC-3'
Protein context (NP_002624.2, residues 505-525): SGTGSAGATI[Arg515Gln]LYIDSYEKDV